The following is an entry in ClinVar:

NM_016302.4(CRBN):c.724C>T (p.Arg242Cys)

Gene: CRBN (cereblon; minus strand). Cytogenetic location: 3p26.2.
Variant type: single nucleotide variant.
Coding change: c.724C>T on transcript NM_016302.4 (MANE Select); coding-DNA position 724, C replaced by T.
Protein change: p.Arg242Cys; replaces arginine 242 with cysteine.
Molecular consequence: missense variant.
Genome position (GRCh38, 1-based): chr3:3,156,245, G>A on the plus strand (C>T on the coding strand, the complement: CRBN is on the minus strand). VCF-style: chr3-3156245-G-A. GRCh37 (hg19) VCF-style: chr3-3197929-G-A.
Other names: c.721C>T, p.Arg241Cys (NM_001173482.1); short protein forms R241C, R242C.
Identifiers: ClinVar variation 758080 (VCV000758080.7), dbSNP rs541404259, ClinGen allele CA2229179.
Genomic context (GRCh38, chr3:3,156,245, plus strand): 5'-CATATATAAAGTAAATTTAAGGTAAGTTACTTACAGCATCATATAAGGAATACAGCCAGC[G>A]AGGCCATGAAGTTAGATTTGCACAATGAAACTTTCTCTGAAAACAAAACAAAAAGGCACT-3'
Protein context (NP_057386.2, residues 232-252): FHCANLTSWP[Arg242Cys]WLYSLYDAET

ClinVar aggregate classification (germline): Conflicting classifications of pathogenicity. Review status: criteria provided, conflicting classifications (1 of 4 stars). 3 submissions from 3 submitters: Uncertain significance (1); Likely benign (1). 1 of the submissions does not count toward it. Last evaluated 2023-11-01.

Conditions:
CRBN-related disorder. Also called: CRBN-related condition.
Intellectual developmental disorder, autosomal recessive 2. Also called: Intellectual disability, autosomal recessive 2; MENTAL RETARDATION, AUTOSOMAL RECESSIVE 2A. Identifiers: Orphanet 88616, MedGen C1843942, MONDO:0011828, OMIM 607417.

Allele frequency attached by ClinVar (database versions not stated): 1000 Genomes Project 0.00040; 1000 Genomes Project 30x 0.00047; TOPMed 0.00006; ExAC 0.00031; gnomAD 0.00003; gnomAD exomes 0.00027.
gnomAD v4.1: 214 of 1,613,962 alleles (0.013%); highest among the groups gnomAD compares: South Asian, 0.17%; 2 homozygotes.

Submissions (3):

Revvity Omics, Revvity
Classification: Uncertain significance for Intellectual developmental disorder, autosomal recessive 2. Last evaluated: 2023-11-01. Review status: criteria provided, single submitter. Criteria: ACMG Guidelines, 2015. Collection method: clinical testing. Allele origin: germline.

Labcorp Genetics (formerly Invitae), Labcorp
Classification: Likely benign. Last evaluated: 2018-07-18. Review status: criteria provided, single submitter. Criteria: Invitae Variant Classification Sherloc (09022015). Collection method: clinical testing. Allele origin: germline.

PreventionGenetics, part of Exact Sciences
Classification: Likely benign for CRBN-related condition. Last evaluated: 2023-06-06. Review status: no assertion criteria provided. Collection method: clinical testing. Allele origin: germline. Not counted in ClinVar's aggregate classification.
Comment: This variant is classified as likely benign based on ACMG/AMP sequence variant interpretation guidelines (Richards et al. 2015 PMID: 25741868, with internal and published modifications).